The following is an entry in ClinVar:

NM_182641.4(BPTF):c.5402C>T (p.Pro1801Leu)

Gene: BPTF (bromodomain PHD finger transcription factor; plus strand). Cytogenetic location: 17q24.2.
Variant type: single nucleotide variant.
Coding change: c.5402C>T on transcript NM_182641.4 (MANE Select); coding-DNA position 5402, C replaced by T.
Protein change: p.Pro1801Leu; replaces proline 1801 with leucine.
Molecular consequence: missense variant.
Genome position (GRCh38, 1-based): chr17:67,918,812, C>T. VCF-style: chr17-67918812-C-T. GRCh37 (hg19) VCF-style: chr17-65914928-C-T.
Other names: c.5402C>T (NM_182641.3); c.5780C>T, p.Pro1927Leu (NM_004459.7); short protein forms P1801L, P1927L.
Identifiers: ClinVar variation 2052870 (VCV002052870.5), dbSNP rs150144995, ClinGen allele CA8725947.

ClinVar aggregate classification (germline): Uncertain significance. Review status: criteria provided, multiple submitters, no conflicts (2 of 4 stars). 2 submissions from 2 submitters: Uncertain significance (2). Last evaluated 2025-12-08.

Conditions:
Inborn genetic diseases. Identifiers: MedGen C0950123, MeSH D030342.

Allele frequency attached by ClinVar (database versions not stated): ExAC 0.00001; gnomAD 0.00003; ESP Exome Variant Server 0.00008; gnomAD exomes 0.00001; TOPMed 0.00001; 1000 Genomes Project 30x 0.00016; 1000 Genomes Project 0.00020.

Submissions (2):

Ambry Genetics
Classification: Uncertain significance for Inborn genetic diseases. Last evaluated: 2025-12-08. Review status: criteria provided, single submitter. Criteria: Ambry Variant Classification Scheme 2023. Collection method: clinical testing. Allele origin: germline.

Labcorp Genetics (formerly Invitae), Labcorp
Classification: Uncertain significance. Last evaluated: 2023-05-02. Review status: criteria provided, single submitter. Criteria: Invitae Variant Classification Sherloc (09022015). Collection method: clinical testing. Allele origin: germline.
Comment: In summary, the available evidence is currently insufficient to determine the role of this variant in disease. Therefore, it has been classified as a Variant of Uncertain Significance. An algorithm developed to predict the effect of missense changes on protein structure and function (PolyPhen-2) suggests that this variant is likely to be disruptive. ClinVar contains an entry for this variant (Variation ID: 2052870). This variant has not been reported in the literature in individuals affected with BPTF-related conditions. This variant is present in population databases (rs150144995, gnomAD 0.002%). This sequence change replaces proline, which is neutral and non-polar, with leucine, which is neutral and non-polar, at codon 1927 of the BPTF protein (p.Pro1927Leu).